The following is an entry in ClinVar:

ClinVar aggregate classification (germline): Uncertain significance (1 of 4 stars; one submission).

Conditions:
Inborn genetic diseases. Identifiers: MedGen C0950123, MeSH D030342.

Allele frequency attached by ClinVar (database versions not stated): gnomAD exomes below 0.00001; TOPMed below 0.00001; ExAC 0.00001; gnomAD 0.00001.
gnomAD v4.1: 6 of 1,570,112 alleles (0.00038%); highest among the groups gnomAD compares: Non-Finnish European, 0.00044%; no homozygotes.

Submission:

Ambry Genetics
Classification: Uncertain significance for Inborn genetic diseases. Last evaluated: 2024-02-01. Review status: criteria provided, single submitter. Criteria: Ambry Variant Classification Scheme 2023. Collection method: clinical testing. Allele origin: germline.
Comment: The p.I435M variant (also known as c.1305A>G), located in coding exon 12 of the LRRK2 gene, results from an A to G substitution at nucleotide position 1305. The isoleucine at codon 435 is replaced by methionine, an amino acid with highly similar properties. This amino acid position is conserved. In addition, this alteration is predicted to be tolerated by in silico analysis. Since supporting evidence is limited at this time, the clinical significance of this alteration remains unclear.

NM_198578.4(LRRK2):c.1305A>G (p.Ile435Met)

Gene: LRRK2 (leucine rich repeat kinase 2; plus strand). Cytogenetic location: 12q12.
Variant type: single nucleotide variant.
Coding change: c.1305A>G on transcript NM_198578.4 (MANE Select); coding-DNA position 1305, A replaced by G.
Protein change: p.Ile435Met; replaces isoleucine 435 with methionine.
Molecular consequence: missense variant.
Genome position (GRCh38, 1-based): chr12:40,257,264, A>G. VCF-style: chr12-40257264-A-G. GRCh37 (hg19) VCF-style: chr12-40651066-A-G.
Other names: short protein forms I435M.
Identifiers: ClinVar variation 1769491 (VCV001769491.2), dbSNP rs71653637, ClinGen allele CA6513344.